The following is an entry in ClinVar:

NM_018082.6(POLR3B):c.1795G>T (p.Val599Phe)

Gene: POLR3B (RNA polymerase III subunit B; plus strand). Cytogenetic location: 12q23.3.
Variant type: single nucleotide variant.
Coding change: c.1795G>T on transcript NM_018082.6 (MANE Select); coding-DNA position 1795, G replaced by T.
Protein change: p.Val599Phe; replaces valine 599 with phenylalanine.
Molecular consequence: missense variant.
Genome position (GRCh38, 1-based): chr12:106,437,070, G>T. VCF-style: chr12-106437070-G-T. GRCh37 (hg19) VCF-style: chr12-106830848-G-T.
Other names: c.1621G>T, p.Val541Phe (NM_001160708.2); short protein forms V541F, V599F.
Identifiers: ClinVar variation 5037531 (VCV005037531.1).
Genomic context (GRCh38, chr12:106,437,070, plus strand): 5'-TTTTTCCCTGGAACTATTATTAATTTGGTTTGCTGTTTCCATTCTAGACCCTACATAATT[G>T]TCAAGAAACAGAAGCCAGCAGTCACAAATAAACATATGGAAGAGCTGGCCCAAGGGTACA-3'
Protein context (NP_060552.4, residues 589-609): GGRLCRPYII[Val599Phe]KKQKPAVTNK

ClinVar aggregate classification (germline): Uncertain significance (1 of 4 stars; one submission).

Submission:

GeneDx
Classification: Uncertain significance. Last evaluated: 2026-04-21. Review status: criteria provided, single submitter. Criteria: GeneDx Variant Classification Process June 2021. Collection method: clinical testing. Allele origin: germline.
Comment: Not observed at significant frequency in large population cohorts (gnomAD); In silico analysis supports that this missense variant has a deleterious effect on protein structure/function; Has not been previously published as pathogenic or benign to our knowledge